The following is an entry in ClinVar:

ClinVar aggregate classification (germline): Likely pathogenic (1 of 4 stars; one submission).

Conditions:
Osteoglophonic dysplasia (OGD). Also called: Osteoglophonic dwarfism. Identifiers: Orphanet 2645, MedGen C0432283, MONDO:0008150, OMIM 166250.
Hypogonadotropic hypogonadism 2 with or without anosmia (HH2). Also called: HYPOGONADOTROPIC HYPOGONADISM 2 WITH OR WITHOUT ANOSMIA, SUSCEPTIBILITY TO; HYPOGONADOTROPIC HYPOGONADISM 2 WITHOUT ANOSMIA, SUSCEPTIBILITY TO; HYPOGONADOTROPIC HYPOGONADISM 2 WITHOUT ANOSMIA; FGFR1-Related GnRH Deficiency (Kallmann Syndrome 2). Identifiers: Orphanet 478, MedGen C1563720, MONDO:0007844, OMIM 147950. Disease mechanism: loss of function.
Jackson-Weiss syndrome (JWS). Also called: CRANIOSYNOSTOSIS, MIDFACIAL HYPOPLASIA, AND FOOT ABNORMALITIES. Identifiers: Orphanet 1540, MedGen C0795998, MONDO:0007400, OMIM 123150. Disease mechanism: loss of function.
Pfeiffer syndrome (ACS5). Also called: ACS V. Identifiers: Orphanet 710, MedGen C0220658, MONDO:0007043, OMIM 101600.
Hartsfield-Bixler-Demyer syndrome (HRTFDS). Also called: Holoprosencephaly, ectrodactyly, and bilateral cleft lip/palate; Hartsfield syndrome; FGFR1-Related Hartsfield Syndrome. Identifiers: Orphanet 2117, MedGen C1845146, MONDO:0014196, OMIM 615465. Disease mechanism: loss of function.
Trigonocephaly 1 (TRIGNO1). Identifiers: Orphanet 3366, MedGen C0432122, MONDO:0008603, OMIM 190440.

Submission:

Molecular Genetics Department, Kulakov National Medical Research Center for Obstetrics, Gynecology and Perinatology
Classification: Likely pathogenic for Pfeiffer syndrome; Jackson-Weiss syndrome; Hypogonadotropic hypogonadism 2 with or without anosmia; Osteoglophonic dysplasia; Trigonocephaly 1; Hartsfield-Bixler-Demyer syndrome. Review status: criteria provided, single submitter. Criteria: ACMG Guidelines, 2015. Collection method: clinical testing. Allele origin: germline. Affected: yes. Observed: 1 variant allele.
Comment: A previously undescribed heterozygous nucleotide variant creates a frameshift p.Ala36SerfsTer14 in the FGFR1 gene. Heterozygous variants are reported in patients with Hypogonadotropic hypogonadism 2 with or without anosmia. The variant is not present in population database (gnomAD no frequency). In summary, the currently available evidence indicates that the variant is pathogenic, but additional data are needed to prove that conclusively. Therefore, this variant has been classified as likely pathogenic.

NM_023110.3(FGFR1):c.104dup (p.Ala36fs)

Gene: FGFR1 (fibroblast growth factor receptor 1; minus strand). Cytogenetic location: 8p11.23.
Variant type: Duplication.
Coding change: c.104dup on transcript NM_023110.3 (MANE Select); coding-DNA position 104, one base duplicated (G; older notation c.104dupG).
Protein change: p.Ala36fs; shifts the reading frame from alanine 36.
Molecular consequence: frameshift variant. On other transcripts: intron variant (5).
Genome position (GRCh38, 1-based): chr8:38,429,936, C duplicated on the plus strand (G on the coding strand, the reverse complement: FGFR1 is on the minus strand); the first of 4 consecutive C bases (chr8:38,429,936-38,429,939); duplicating any one gives the same sequence. VCF-style (leftmost placement, unchanged base first): chr8-38429935-T-TC. GRCh37 (hg19) VCF-style: chr8-38287453-T-TC.
Other names: c.104dup, p.Ala36fs (NM_001174063.2, NM_001174065.2, NM_001354367.2 and 3 more transcripts); c.80dup, p.Ala28fs (NM_001174064.2); c.203dup, p.Ala69fs (NM_001174067.2); c.92-1501dup (NM_001354368.2, NM_001354370.2, NM_023106.3 and 2 more transcripts); short protein forms A28fs, A36fs, A69fs.
Identifiers: ClinVar variation 4294512 (VCV004294512.1).